The following is an entry in ClinVar:

ClinVar aggregate classification (germline): Likely benign. Review status: criteria provided, multiple submitters, no conflicts (2 of 4 stars). 3 submissions from 3 submitters: Likely benign (3). Last evaluated 2025-06-02.

Conditions:
Progressive sclerosing poliodystrophy (MTDPS4A). Also called: ALPERS DIFFUSE DEGENERATION OF CEREBRAL GRAY MATTER WITH HEPATIC CIRRHOSIS; Mitochondrial DNA Depletion Syndrome 4A; Alpers Syndrome; Alpers-Huttenlocher Syndrome; NEURONAL DEGENERATION OF CHILDHOOD WITH LIVER DISEASE, PROGRESSIVE; Mitochondrial DNA depletion syndrome 4A (Alpers type). Identifiers: Orphanet 726, MedGen C0205710, MONDO:0008758, OMIM 203700.

Allele frequency attached by ClinVar (database versions not stated): gnomAD 0.00001 and 0.00002; ExAC 0.00002; gnomAD exomes 0.00003; TOPMed 0.00003.
gnomAD v4.1: 38 of 1,607,422 alleles (0.0024%); highest among the groups gnomAD compares: East Asian, 0.0045%; no homozygotes.

Submissions (3):

Labcorp Genetics (formerly Invitae), Labcorp
Classification: Likely benign for Progressive sclerosing poliodystrophy. Last evaluated: 2025-06-02. Review status: criteria provided, single submitter. Criteria: Invitae Variant Classification Sherloc (09022015). Collection method: clinical testing. Allele origin: germline.

CeGaT Center for Human Genetics Tuebingen
Classification: Likely benign. Last evaluated: 2023-01-01. Review status: criteria provided, single submitter. Criteria: CeGaT Center For Human Genetics Tuebingen Variant Classification Criteria Version 2. Collection method: clinical testing. Allele origin: germline. Affected: yes. Observed: 1 variant allele.
Comment: POLG: BP4, BS2

GeneDx
Classification: Likely benign. Last evaluated: 2021-02-19. Review status: criteria provided, single submitter. Criteria: GeneDx Variant Classification Process June 2021. Collection method: clinical testing. Allele origin: germline. Affected: yes.

NM_002693.3(POLG):c.660-7C>T

Genes: POLGARF (POLG alternative reading frame; minus strand), POLG (DNA polymerase gamma, catalytic subunit; minus strand). Cytogenetic location: 15q26.1.
Variant type: single nucleotide variant.
Coding change: c.660-7C>T on transcript NM_002693.3 (MANE Select); 7 bases into the intron before coding-DNA position 660, C replaced by T.
Molecular consequence: intron variant.
Genome position (GRCh38, 1-based): chr15:89,330,283, G>A on the plus strand (C>T on the coding strand, the complement: POLG is on the minus strand). VCF-style: chr15-89330283-G-A. GRCh37 (hg19) VCF-style: chr15-89873514-G-A.
Other names: c.660-7C>T (NM_001126131.2).
Identifiers: ClinVar variation 698619 (VCV000698619.40), dbSNP rs766053530, ClinGen allele CA7725062.